The following is an entry in ClinVar:

NM_002880.4(RAF1):c.481A>C (p.Asn161His)

Gene: RAF1 (Raf-1 proto-oncogene, serine/threonine kinase; minus strand). Cytogenetic location: 3p25.2.
Variant type: single nucleotide variant.
Coding change: c.481A>C on transcript NM_002880.4 (MANE Select); coding-DNA position 481, A replaced by C.
Protein change: p.Asn161His; replaces asparagine 161 with histidine.
Molecular consequence: missense variant. On other transcripts: non-coding transcript variant (3).
Genome position (GRCh38, 1-based): chr3:12,608,866, T>G on the plus strand (A>C on the coding strand, the complement: RAF1 is on the minus strand). VCF-style: chr3-12608866-T-G. GRCh37 (hg19) VCF-style: chr3-12650365-T-G.
Other names: c.481A>C, p.Asn161His (NM_001354689.3, NM_001354690.3, NM_001354693.3); c.238A>C, p.Asn80His (NM_001354691.3, NM_001354692.3, NM_001354694.3 and 1 more transcripts); short protein forms N161H, N80H.
Identifiers: ClinVar variation 561794 (VCV000561794.1), dbSNP rs1559433373, ClinGen allele CA351517252.
Genomic context (GRCh38, chr3:12,608,866, plus strand): 5'-GTACTTTGGTGCTACAGTGCTCATGAAATTTGTAGCCACAAGTCTGACATCGAAATCCAT[T>G]GAGCAGGAATTTCTGACAGATGTCACAGAAGGCAAGCTTCAGGAACGTCTTCCGAGCCTA-3'
Protein context (NP_002871.1, residues 151-171): FCDICQKFLL[Asn161His]GFRCQTCGYK

ClinVar aggregate classification (germline): Uncertain significance (1 of 4 stars; one submission).

Submission:

GeneDx
Classification: Uncertain significance. Last evaluated: 2018-04-23. Review status: criteria provided, single submitter. Criteria: GeneDx Variant Classification (06012015). Collection method: clinical testing. Allele origin: germline. Affected: yes.
Comment: The N161H variant has not been published as a pathogenic variant, nor has it been reported as a benign variant to our knowledge. The N161H variant is not observed in large population cohorts (Lek et al., 2016). The N161H variant is a semi-conservative amino acid substitution, which may impact secondary protein structure as these residues differ in some properties. In-silico analyses, including protein predictors and evolutionary conservation, support that this variant does not alter protein structure/function. The majority of missense variants in this gene are considered pathogenic (Stenson et al., 2014). In summary, based on the currently available information, it is unclear whether this variant is a pathogenic variant or a rare benign variant.